The following is an entry in ClinVar:

NM_004415.4(DSP):c.5050C>T (p.His1684Tyr)

Gene: DSP (desmoplakin; plus strand). Cytogenetic location: 6p24.3.
Variant type: single nucleotide variant.
Coding change: c.5050C>T on transcript NM_004415.4 (MANE Select); coding-DNA position 5050, C replaced by T.
Protein change: p.His1684Tyr; replaces histidine 1684 with tyrosine.
Molecular consequence: missense variant. On other transcripts: intron variant (2).
Genome position (GRCh38, 1-based): chr6:7,581,240, C>T. VCF-style: chr6-7581240-C-T. GRCh37 (hg19) VCF-style: chr6-7581473-C-T.
Other names: c.4050+1000C>T (NM_001319034.2); c.3583-1402C>T (NM_001008844.3); short protein forms H1684Y.
Identifiers: ClinVar variation 3842690 (VCV003842690.1).

ClinVar aggregate classification (germline): Uncertain significance (1 of 4 stars; one submission).

Conditions:
Cardiovascular phenotype. Identifiers: MedGen CN230736.

Submission:

Ambry Genetics
Classification: Uncertain significance for Cardiovascular phenotype. Last evaluated: 2025-01-06. Review status: criteria provided, single submitter. Criteria: Ambry Variant Classification Scheme 2023. Collection method: clinical testing. Allele origin: germline.
Comment: The p.H1684Y variant (also known as c.5050C>T), located in coding exon 23 of the DSP gene, results from a C to T substitution at nucleotide position 5050. The histidine at codon 1684 is replaced by tyrosine, an amino acid with similar properties. This amino acid position is conserved. In addition, this alteration is predicted to be tolerated by in silico analysis. Based on the available evidence, the clinical significance of this variant remains unclear.